The following is an entry in ClinVar:

NM_198390.3(CMIP):c.274G>A (p.Ala92Thr)

Genes: CMIP (c-Maf inducing protein; plus strand), LOC130059505 (ATAC-STARR-seq lymphoblastoid silent region 7759; plus strand). Cytogenetic location: 16q23.2.
Variant type: single nucleotide variant.
Coding change: c.274G>A on transcript NM_198390.3 (MANE Select); coding-DNA position 274, G replaced by A.
Protein change: p.Ala92Thr; replaces alanine 92 with threonine.
Molecular consequence: missense variant.
Genome position (GRCh38, 1-based): chr16:81,445,515, G>A. VCF-style: chr16-81445515-G-A. GRCh37 (hg19) VCF-style: chr16-81479120-G-A.
Other names: short protein forms A92T.
Identifiers: ClinVar variation 2633782 (VCV002633782.1), dbSNP rs2507849119, ClinGen allele CA396893536.

ClinVar aggregate classification (germline): Uncertain significance (1 of 4 stars; one submission).

Conditions:
CMIP-related disorder. Also called: CMIP-related condition.

Submission:

PreventionGenetics, part of Exact Sciences
Classification: Uncertain significance for CMIP-related condition. Last evaluated: 2023-04-05. Review status: criteria provided, single submitter. Criteria: ACMG Guidelines, 2015. Collection method: clinical testing. Allele origin: germline.
Comment: The CMIP c.274G>A variant is predicted to result in the amino acid substitution p.Ala92Thr. To our knowledge, this variant has not been reported in the literature or in a large population database, indicating this variant is rare. At this time, the clinical significance of this variant is uncertain due to the absence of conclusive functional and genetic evidence.